The following is an entry in ClinVar:

NM_024649.5(BBS1):c.1566G>C (p.Leu522=)

Genes: BBS1 (Bardet-Biedl syndrome 1; plus strand), ZDHHC24 (zDHHC palmitoyltransferase 24; minus strand). Cytogenetic location: 11q13.2.
Variant type: single nucleotide variant.
Coding change: c.1566G>C on transcript NM_024649.5 (MANE Select); coding-DNA position 1566, G replaced by C.
Protein change: p.Leu522=; no amino-acid change (leucine 522 retained).
Molecular consequence: synonymous variant. On other transcripts: intron variant (1).
Genome position (GRCh38, 1-based): chr11:66,530,986, G>C. VCF-style: chr11-66530986-G-C. GRCh37 (hg19) VCF-style: chr11-66298457-G-C.
Other names: c.560-1498C>G (NM_001348571.2).
Identifiers: ClinVar variation 4997385 (VCV004997385.1).
Genomic context (GRCh38, chr11:66,530,986, plus strand): 5'-ACTTCACCTGCAGAACACCTCAACAACCCGTCCTGTCCTGGGGCTGCTGGTCTGCTTCCT[G>C]TACAACGAGGCGCTCTATTCCCTGCCCCGGGCCTTCTTCAAGGTACTGGATGCTCCTCAC-3'
Protein context (NP_078925.3, residues 512-532): RPVLGLLVCF[Leu522=]YNEALYSLPR

ClinVar aggregate classification (germline): Likely benign (1 of 4 stars; one submission).

Conditions:
BBS1-related disorder. Also called: BBS1-related condition.

Submission:

PreventionGenetics, part of Exact Sciences
Classification: Likely benign for BBS1-related condition. Last evaluated: 2025-06-02. Review status: criteria provided, single submitter. Criteria: ACMG Guidelines, 2015. Collection method: clinical testing. Allele origin: germline.
Comment: This variant is classified as likely benign based on ACMG/AMP sequence variant interpretation guidelines (Richards et al. 2015 PMID: 25741868, with internal and published modifications).